The following is an entry in ClinVar:

NM_000059.4(BRCA2):c.1909+4C>T

Gene: BRCA2 (BRCA2 DNA repair associated; plus strand). Cytogenetic location: 13q13.1.
Variant type: single nucleotide variant.
Coding change: c.1909+4C>T on transcript NM_000059.4 (MANE Select); 4 bases into the intron after coding-DNA position 1909, C replaced by T.
Molecular consequence: intron variant.
Genome position (GRCh38, 1-based): chr13:32,333,391, C>T. VCF-style: chr13-32333391-C-T. GRCh37 (hg19) VCF-style: chr13-32907528-C-T.
Other names: c.1909+4C>T (NM_001432077.1, NM_001406720.1, NM_001406719.1 and 1 more transcripts); c.424+2361C>T (NM_001406722.1).
Identifiers: ClinVar variation 3689874 (VCV003689874.2).

ClinVar aggregate classification (germline): Uncertain significance (1 of 4 stars; one submission).

Conditions:
Hereditary breast ovarian cancer syndrome. Also called: Hereditary breast and ovarian cancer syndrome (HBOC); BRCA1- and BRCA2-Associated Hereditary Breast and Ovarian Cancer; Breast and ovarian cancer; Hereditary breast and ovarian cancer; Hereditary breast and ovarian cancer syndrome; Hereditary breast and/or ovarian cancer syndrome. Identifiers: Orphanet 145, MedGen C0677776, MeSH D061325, MONDO:0003582. Disease mechanism: loss of function.

Submission:

Labcorp Genetics (formerly Invitae), Labcorp
Classification: Uncertain significance for Hereditary breast ovarian cancer syndrome. Last evaluated: 2025-08-27. Review status: criteria provided, single submitter. Criteria: Invitae Variant Classification Sherloc (09022015). Collection method: clinical testing. Allele origin: germline.
Comment: This sequence change falls in intron 10 of the BRCA2 gene. It does not directly change the encoded amino acid sequence of the BRCA2 protein. It affects a nucleotide within the consensus splice site. This variant is not present in population databases (gnomAD no frequency). This variant has not been reported in the literature in individuals affected with BRCA2-related conditions. ClinVar contains an entry for this variant (Variation ID: 3689874). Variants that disrupt the consensus splice site are a relatively common cause of aberrant splicing (PMID: 17576681, 9536098). Algorithms developed to predict the effect of sequence changes on RNA splicing suggest that this variant is not likely to affect RNA splicing. In summary, the available evidence is currently insufficient to determine the role of this variant in disease. Therefore, it has been classified as a Variant of Uncertain Significance.

Literature cited by the submitters: PubMed 17576681; PubMed 9536098.